The following is an entry in ClinVar:

ClinVar aggregate classification (germline): Uncertain significance (1 of 4 stars; one submission).

Conditions:
Generalized epilepsy-paroxysmal dyskinesia syndrome (PNKD3). Also called: Paroxysmal nonkinesigenic dyskinesia, 3, with or without generalized epilepsy; Generalized epilepsy and paroxysmal dyskinesia. Identifiers: Orphanet 79137, MedGen C5574945, MONDO:0012276, OMIM 609446.

Allele frequency attached by ClinVar (database versions not stated): gnomAD exomes below 0.00001; gnomAD 0.00001; TOPMed 0.00001.
gnomAD v4.1: 5 of 1,613,678 alleles (0.00031%); highest among the groups gnomAD compares: East Asian, 0.0022%; no homozygotes.

Submission:

Labcorp Genetics (formerly Invitae), Labcorp
Classification: Uncertain significance for Generalized epilepsy-paroxysmal dyskinesia syndrome. Last evaluated: 2025-06-19. Review status: criteria provided, single submitter. Criteria: Invitae Variant Classification Sherloc (09022015). Collection method: clinical testing. Allele origin: germline.
Comment: This sequence change falls in intron 14 of the KCNMA1 gene. It does not directly change the encoded amino acid sequence of the KCNMA1 protein. It affects a nucleotide within the consensus splice site. The frequency data for this variant in the population databases is considered unreliable, as metrics indicate poor data quality at this position in the gnomAD database. This variant has not been reported in the literature in individuals affected with KCNMA1-related conditions. ClinVar contains an entry for this variant (Variation ID: 1047694). Variants that disrupt the consensus splice site are a relatively common cause of aberrant splicing (PMID: 17576681, 9536098). Algorithms developed to predict the effect of sequence changes on RNA splicing suggest that this variant is not likely to affect RNA splicing. In summary, the available evidence is currently insufficient to determine the role of this variant in disease. Therefore, it has been classified as a Variant of Uncertain Significance.

Literature cited by the submitters: PubMed 17576681; PubMed 9536098.

NM_001161352.2(KCNMA1):c.1749+5C>T

Gene: KCNMA1 (potassium calcium-activated channel subfamily M alpha 1; minus strand). Cytogenetic location: 10q22.3.
Variant type: single nucleotide variant.
Coding change: c.1749+5C>T on transcript NM_001161352.2 (MANE Select); 5 bases into the intron after coding-DNA position 1749, C replaced by T.
Molecular consequence: intron variant.
Genome position (GRCh38, 1-based): chr10:77,073,092, G>A on the plus strand (C>T on the coding strand, the complement: KCNMA1 is on the minus strand). VCF-style: chr10-77073092-G-A. GRCh37 (hg19) VCF-style: chr10-78832850-G-A.
Other names: c.1587+5C>T (NM_001271518.2); c.1749+5C>T (NM_001322832.2, NM_001322829.2, NM_001014797.3 and 7 more transcripts); c.1209+5C>T (NM_001322838.2).
Identifiers: ClinVar variation 1047694 (VCV001047694.7), dbSNP rs868280659, ClinGen allele CA210096881.